The following is an entry in ClinVar:

NM_033380.3(COL4A5):c.4216+10C>T

Gene: COL4A5 (collagen type IV alpha 5 chain; plus strand). Cytogenetic location: Xq22.3.
Variant type: single nucleotide variant.
Coding change: c.4216+10C>T on transcript NM_033380.3 (MANE Select); 10 bases into the intron after coding-DNA position 4216, C replaced by T.
Molecular consequence: intron variant.
Genome position (GRCh38, 1-based): chrX:108,681,898, C>T. VCF-style: chrX-108681898-C-T. GRCh37 (hg19) VCF-style: chrX-107925128-C-T.
Other names: c.4198+10C>T (NM_000495.4, NM_000495.5).
Identifiers: ClinVar variation 1168630 (VCV001168630.11), dbSNP rs759735924, ClinGen allele CA10489306.
Genomic context (GRCh38, chrX:108,681,898, plus strand): 5'-AGCCTGGGCTAAAGGGTCTACCAGGACCCCAAGGACCTCAAGGCTTACCAGGTACCAATG[C>T]AGATCATCTTTATTATCATTATTATACTTTTAATTTCTGGGATACATGTGCAGAATGTAC-3'

ClinVar aggregate classification (germline): Benign. Review status: criteria provided, single submitter (1 of 4 stars). 2 submissions from 2 submitters: Benign (1). 1 of the submissions does not count toward it. Last evaluated 2025-12-21.

Conditions:
COL4A5-related disorder. Also called: COL4A5-related condition.

Allele frequency attached by ClinVar (database versions not stated): gnomAD exomes 0.00001 and 0.00004; ExAC 0.00005; TOPMed 0.00006; gnomAD 0.00008 and 0.00009; 1000 Genomes Project 30x 0.00062; 1000 Genomes Project 0.00079.
gnomAD v4.1: 19 of 1,196,179 alleles (0.0016%); highest among the groups gnomAD compares: African/African-American, 0.033%; 1 homozygote.

Submissions (2):

Labcorp Genetics (formerly Invitae), Labcorp
Classification: Benign. Last evaluated: 2025-12-21. Review status: criteria provided, single submitter. Criteria: Invitae Variant Classification Sherloc (09022015). Collection method: clinical testing. Allele origin: germline.

PreventionGenetics, part of Exact Sciences
Classification: Likely benign for COL4A5-related condition. Last evaluated: 2019-04-30. Review status: no assertion criteria provided. Collection method: clinical testing. Allele origin: germline. Not counted in ClinVar's aggregate classification.
Comment: This variant is classified as likely benign based on ACMG/AMP sequence variant interpretation guidelines (Richards et al. 2015 PMID: 25741868, with internal and published modifications).